The following is an entry in ClinVar:

NM_019098.5(CNGB3):c.2264A>G (p.Glu755Gly)

Gene: CNGB3 (cyclic nucleotide gated channel subunit beta 3; minus strand). Cytogenetic location: 8q21.3.
Variant type: single nucleotide variant.
Coding change: c.2264A>G on transcript NM_019098.5 (MANE Select); coding-DNA position 2264, A replaced by G.
Protein change: p.Glu755Gly; replaces glutamic acid 755 with glycine.
Molecular consequence: missense variant.
Genome position (GRCh38, 1-based): chr8:86,575,970, T>C on the plus strand (A>G on the coding strand, the complement: CNGB3 is on the minus strand). VCF-style: chr8-86575970-T-C. GRCh37 (hg19) VCF-style: chr8-87588198-T-C.
Other names: short protein forms E755G.
Identifiers: ClinVar variation 166899 (VCV000166899.21), dbSNP rs3735972, ClinGen allele CA179899.
Genomic context (GRCh38, chr8:86,575,970, plus strand): 5'-AAAACTGTCCTTCTAACTGAGTGGGGTTCTTCCTCCACTGCAATAGGACTTGCTGTACAT[T>C]CAGGTCTGTCCAGTGGCTTCTCTTCTGGCTCTCTTCCTTTATCTTTATCTTCATTTTCTT-3'
Protein context (NP_061971.3, residues 745-765): EPEEKPLDRP[Glu755Gly]CTASPIAVEE

ClinVar aggregate classification (germline): Benign. Review status: criteria provided, multiple submitters, no conflicts (2 of 4 stars). 8 submissions from 7 submitters: Benign (7). 1 of the submissions does not count toward it. Last evaluated 2026-02-04.

Conditions:
Achromatopsia. Also called: Rod monochromatism. Identifiers: Orphanet 49382, MedGen C0152200, MONDO:0018852, HP:0011516.
Achromatopsia 3 (ACHM3). Also called: ACHROMATOPSIA WITH MYOPIA; PINGELAPESE BLINDNESS; TOTAL COLORBLINDNESS WITH MYOPIA; ROD MONOCHROMACY 1; ROD MONOCHROMATISM 1. Identifiers: Orphanet 49382, MedGen C1849792, MONDO:0009875, OMIM 262300.
Severe early-childhood-onset retinal dystrophy (STGD1). Also called: Stargardt macular dystrophy; Juvenile onset macular degeneration; Stargardt disease 1; MACULAR DYSTROPHY WITH FLECKS, TYPE 1; STGD. Identifiers: Orphanet 364055, Orphanet 827, MedGen C1855465, MeSH D000080362, MONDO:0009549, OMIM 248200.

Allele frequency attached by ClinVar (database versions not stated): 1000 Genomes Project 30x 0.08182; 1000 Genomes Project 0.08227; gnomAD exomes 0.08672 and 0.08944; gnomAD 0.08214 and 0.08238; ExAC 0.08726; TOPMed 0.07896; ESP Exome Variant Server 0.08096.
gnomAD v4.1: 143,302 of 1,613,852 alleles (8.9%); highest among the groups gnomAD compares: East Asian, 11%; 6,663 homozygotes.

Submissions (8):

Labcorp Genetics (formerly Invitae), Labcorp
Classification: Benign. Last evaluated: 2026-02-04. Review status: criteria provided, single submitter. Criteria: Invitae Variant Classification Sherloc (09022015). Collection method: clinical testing. Allele origin: germline.

Illumina Laboratory Services, Illumina
Classification: Benign for Severe early-childhood-onset retinal dystrophy. Last evaluated: 2018-01-13. Review status: criteria provided, single submitter. Criteria: ICSL Variant Classification Criteria 13 December 2019. Collection method: clinical testing. Allele origin: germline.
Comment: This variant was observed in the ICSL laboratory as part of a predisposition screen in an ostensibly healthy population. It had not been previously curated by ICSL or reported in the Human Gene Mutation Database (HGMD: prior to June 1st, 2018), and was therefore a candidate for classification through an automated scoring system. Utilizing variant allele frequency, disease prevalence and penetrance estimates, and inheritance mode, an automated score was calculated to assess if this variant is too frequent to cause the disease. Based on the score and internal cut-off values, a variant classified as benign is not then subjected to further curation. The score for this variant resulted in a classification of benign for this disease.

Illumina Laboratory Services, Illumina
Classification: Benign for Achromatopsia 3. Last evaluated: 2018-01-13. Review status: criteria provided, single submitter. Criteria: ICSL Variant Classification Criteria 13 December 2019. Collection method: clinical testing. Allele origin: germline.
Comment: the same text as in the submission from Illumina Laboratory Services, Illumina above.

GeneDx
Classification: Benign. Last evaluated: 2016-07-19. Review status: criteria provided, single submitter. Criteria: GeneDx Variant Classification (06012015). Collection method: clinical testing. Allele origin: germline. Affected: yes.
Comment: This variant is considered likely benign or benign based on one or more of the following criteria: it is a conservative change, it occurs at a poorly conserved position in the protein, it is predicted to be benign by multiple in silico algorithms, and/or has population frequency not consistent with disease.

Eurofins Ntd Llc (ga)
Classification: Benign. Last evaluated: 2014-04-25. Review status: criteria provided, single submitter. Criteria: EGL Classification Definitions 2015. Collection method: clinical testing. Allele origin: germline. Observed: 5 variant alleles, 5 heterozygotes.

Breakthrough Genomics
Classification: Benign. Review status: criteria provided, single submitter. Criteria: ACMG Guidelines, 2015. Collection method: not provided. Allele origin: germline. Inheritance: Autosomal recessive inheritance. Affected: yes.

PreventionGenetics, part of Exact Sciences
Classification: Benign. Review status: criteria provided, single submitter. Criteria: ACMG Guidelines, 2015. Collection method: clinical testing. Allele origin: germline.

Natera, Inc.
Classification: Benign for Achromatopsia. Last evaluated: 2020-09-16. Review status: no assertion criteria provided. Collection method: clinical testing. Allele origin: germline. Not counted in ClinVar's aggregate classification.